The following is an entry in ClinVar:

ClinVar aggregate classification (germline): Pathogenic/Likely pathogenic. Review status: criteria provided, multiple submitters, no conflicts (2 of 4 stars). 3 submissions from 3 submitters: Pathogenic (2); Likely pathogenic (1). Last evaluated 2025-05-15.

Conditions:
Neuronal ceroid lipofuscinosis. Also called: Neuronal Ceroid Lipofuscinoses. Identifiers: Orphanet 216, Orphanet 79263, MedGen C0027877, MONDO:0016295. Disease mechanism: loss of function.
Neuronal ceroid lipofuscinosis 5 (CLN5). Also called: Neuronal ceroid lipofuscinosis Finnish variant; NEURONAL CEROID LIPOFUSCINOSIS, LATE INFANTILE, FINNISH VARIANT; CEROID LIPOFUSCINOSIS, NEURONAL, 5, VARIABLE AGE AT ONSET; CLN5-Related Neuronal Ceroid-Lipofuscinosis. Identifiers: Orphanet 168491, Orphanet 228360, MedGen C1850442, MONDO:0009745, OMIM 256731.

Submissions (3):

Myriad Genetics, Inc.
Classification: Pathogenic for Neuronal ceroid lipofuscinosis 5. Last evaluated: 2025-05-15. Review status: criteria provided, single submitter. Criteria: Myriad Autosomal Dominant, Autosomal Recessive and X-Linked Classification Criteria (2023). Collection method: clinical testing. Allele origin: unknown.
Comment: NM_006493.2(CLN5):c.1060_1061delCT(L354Vfs*8) is a frameshift variant classified as pathogenic in the context of CLN5-related neuronal ceroid lipofuscinosis. L354Vfs*8 has been not observed in cases with relevant disease. Relevant functional assessments of this variant are not available in the literature. L354Vfs*8 has not been observed in referenced population frequency databases. In summary, NM_006493.2(CLN5):c.1060_1061delCT(L354Vfs*8) is a frameshift variant in a gene where loss of function is a known mechanism of disease and is predicted to disrupt protein function. Please note: this variant was assessed in the context of healthy population screening.

Fulgent Genetics
Classification: Likely pathogenic for Neuronal ceroid lipofuscinosis 5. Last evaluated: 2024-04-28. Review status: criteria provided, single submitter. Criteria: ACMG Guidelines, 2015. Collection method: clinical testing. Allele origin: germline.

Labcorp Genetics (formerly Invitae), Labcorp
Classification: Pathogenic for Neuronal ceroid lipofuscinosis. Last evaluated: 2021-06-18. Review status: criteria provided, single submitter. Criteria: Invitae Variant Classification Sherloc (09022015). Collection method: clinical testing. Allele origin: germline.
Comment: This variant has not been reported in the literature in individuals with CLN5-related conditions. This variant is not present in population databases (ExAC no frequency). This sequence change creates a premature translational stop signal (p.Leu354Valfs*8) in the CLN5 gene. While this is not anticipated to result in nonsense mediated decay, it is expected to disrupt the last 54 amino acid(s) of the CLN5 protein. For these reasons, this variant has been classified as Pathogenic. This variant disrupts the C-terminus of the CLN5 protein. Other variant(s) that disrupt this region (p.Tyr392*) have been determined to be pathogenic (PMID: 9662406, 20052765, 11971870, Invitae). This suggests that variants that disrupt this region of the protein are likely to be causative of disease.

Literature cited by the submitters: PubMed 9662406 (cited by Labcorp Genetics (formerly Invitae), Labcorp); PubMed 20052765 (cited by Labcorp Genetics (formerly Invitae), Labcorp); PubMed 11971870 (cited by Labcorp Genetics (formerly Invitae), Labcorp).

NM_006493.4(CLN5):c.913_914del (p.Leu305fs)

Gene: CLN5 (CLN5 lysosomal BMP synthase; plus strand). Cytogenetic location: 13q22.3.
Variant type: Deletion.
Coding change: c.913_914del on transcript NM_006493.4 (MANE Select); coding-DNA positions 913 to 914, 2 bases deleted (CT; older notation c.913_914delCT).
Protein change: p.Leu305fs; shifts the reading frame from leucine 305.
Molecular consequence: frameshift variant. On other transcripts: 3 prime UTR variant (1).
Genome position (GRCh38, 1-based): chr13:77,000,805-77,000,806, CT deleted; deleting any 2 consecutive bases within chr13:77,000,804-77,000,806 gives the same sequence; the c. name uses the placement nearest the transcript's 3' end. VCF-style (leftmost placement, unchanged base first): chr13-77000803-TTC-T. GRCh37 (hg19) VCF-style: chr13-77574938-TTC-T.
Other names: c.*362_*363del (NM_001366624.2); short protein forms L305fs.
Identifiers: ClinVar variation 1455869 (VCV001455869.10), dbSNP rs2154035183, ClinGen allele CA2573149757.